The following is an entry in ClinVar:

NM_000088.4(COL1A1):c.628G>A (p.Glu210Lys)

Gene: COL1A1 (collagen type I alpha 1 chain; minus strand). Cytogenetic location: 17q21.33.
Variant type: single nucleotide variant.
Coding change: c.628G>A on transcript NM_000088.4 (MANE Select); coding-DNA position 628, G replaced by A.
Protein change: p.Glu210Lys; replaces glutamic acid 210 with lysine.
Molecular consequence: missense variant.
Genome position (GRCh38, 1-based): chr17:50,197,963, C>T on the plus strand (G>A on the coding strand, the complement: COL1A1 is on the minus strand). VCF-style: chr17-50197963-C-T. GRCh37 (hg19) VCF-style: chr17-48275324-C-T.
Other names: short protein forms E210K.
Identifiers: ClinVar variation 1447631 (VCV001447631.9), dbSNP rs766407680, ClinGen allele CA8645631.

ClinVar aggregate classification (germline): Uncertain significance. Review status: criteria provided, multiple submitters, no conflicts (2 of 4 stars). 2 submissions from 2 submitters: Uncertain significance (2). Last evaluated 2025-12-03.

Conditions:
Osteogenesis imperfecta type I (OI1). Also called: Lobstein disease; OI, TYPE I; OSTEOGENESIS IMPERFECTA TARDA; OSTEOGENESIS IMPERFECTA WITH BLUE SCLERAE; Lobstein's Disease; Classic Non-deforming Osteogenesis Imperfecta with Blue Sclerae. Identifiers: Orphanet 216796, Orphanet 666, MedGen C0023931, MONDO:0008146, OMIM 166200. Disease mechanism: loss of function.
Cardiovascular phenotype. Identifiers: MedGen CN230736.

Allele frequency attached by ClinVar (database versions not stated): gnomAD exomes below 0.00001 and 0.00001; TOPMed below 0.00001; ExAC 0.00001; gnomAD 0.00001.
gnomAD v4.1: 10 of 1,613,868 alleles (0.00062%); highest among the groups gnomAD compares: Non-Finnish European, 0.00085%; no homozygotes.

Submissions (2):

Labcorp Genetics (formerly Invitae), Labcorp
Classification: Uncertain significance for Osteogenesis imperfecta type I. Last evaluated: 2025-12-03. Review status: criteria provided, single submitter. Criteria: Invitae Variant Classification Sherloc (09022015). Collection method: clinical testing. Allele origin: germline.
Comment: This sequence change replaces glutamic acid, which is acidic and polar, with lysine, which is basic and polar, at codon 210 of the COL1A1 protein (p.Glu210Lys). This variant is present in population databases (rs766407680, gnomAD 0.002%). This variant has not been reported in the literature in individuals affected with COL1A1-related conditions. ClinVar contains an entry for this variant (Variation ID: 1447631). Invitae Evidence Modeling of protein sequence and biophysical properties (such as structural, functional, and spatial information, amino acid conservation, physicochemical variation, residue mobility, and thermodynamic stability) has been performed for this missense variant. However, the output from this modeling did not meet the statistical confidence thresholds required to predict the impact of this variant on COL1A1 protein function. In summary, the available evidence is currently insufficient to determine the role of this variant in disease. Therefore, it has been classified as a Variant of Uncertain Significance.

Ambry Genetics
Classification: Uncertain significance for Cardiovascular phenotype. Last evaluated: 2023-07-12. Review status: criteria provided, single submitter. Criteria: Ambry Variant Classification Scheme 2023. Collection method: clinical testing. Allele origin: germline.
Comment: The p.E210K variant (also known as c.628G>A), located in coding exon 8 of the COL1A1 gene, results from a G to A substitution at nucleotide position 628. The glutamic acid at codon 210 is replaced by lysine, an amino acid with similar properties. This amino acid position is highly conserved in available vertebrate species. In addition, the in silico prediction for this alteration is inconclusive. Since supporting evidence is limited at this time, the clinical significance of this alteration remains unclear.